The following is an entry in ClinVar:

NM_182961.4(SYNE1):c.24600C>T (p.Phe8200=)

Gene: SYNE1 (spectrin repeat containing nuclear envelope protein 1; minus strand). Cytogenetic location: 6q25.2.
Variant type: single nucleotide variant.
Coding change: c.24600C>T on transcript NM_182961.4 (MANE Select); coding-DNA position 24600, C replaced by T.
Protein change: p.Phe8200=; no amino-acid change (phenylalanine 8200 retained).
Molecular consequence: synonymous variant.
Genome position (GRCh38, 1-based): chr6:152,149,519, G>A on the plus strand (C>T on the coding strand, the complement: SYNE1 is on the minus strand). VCF-style: chr6-152149519-G-A. GRCh37 (hg19) VCF-style: chr6-152470654-G-A.
Other names: c.1206C>T, p.Phe402= (NM_001347701.2); c.1065C>T, p.Phe355= (NM_001347702.2); c.24387C>T, p.Phe8129= (NM_033071.5).
Identifiers: ClinVar variation 1631770 (VCV001631770.35), dbSNP rs370421580, ClinGen allele CA4053140.

ClinVar aggregate classification (germline): Conflicting classifications of pathogenicity. Review status: criteria provided, conflicting classifications (1 of 4 stars). 4 submissions from 4 submitters: Uncertain significance (1); Likely benign (3). Last evaluated 2025-12-08.

Conditions:
Arthrogryposis multiplex congenita 3, myogenic type. Also called: ARTHROGRYPOSIS MULTIPLEX CONGENITA, MYOGENIC TYPE. Identifiers: MedGen C5193121, MONDO:0032778, OMIM 618484.
Autosomal recessive ataxia, Beauce type. Also called: SYNE1-Related Autosomal Recessive Cerebellar Ataxia; ATAXIA, RECESSIVE, OF BEAUCE; Spinocerebellar ataxia, autosomal recessive 8; SYNE1 Deficiency. Identifiers: Orphanet 88644, MedGen C1853116, MONDO:0012549, OMIM 610743.
Emery-Dreifuss muscular dystrophy 4, autosomal dominant (EDMD4). Also called: EMERY-DREIFUSS MUSCULAR DYSTROPHY 4 WITH VARIABLE FEATURES. Identifiers: Orphanet 261, MedGen C2751807, MONDO:0013071, OMIM 612998.

Allele frequency attached by ClinVar (database versions not stated): ESP Exome Variant Server 0.00008; ExAC 0.00001; gnomAD exomes 0.00001 and 0.00002; TOPMed 0.00002.
gnomAD v4.1: 25 of 1,614,132 alleles (0.0015%); highest among the groups gnomAD compares: South Asian, 0.0022%; no homozygotes.

Submissions (4):

Labcorp Genetics (formerly Invitae), Labcorp
Classification: Likely benign for Emery-Dreifuss muscular dystrophy 4, autosomal dominant; Autosomal recessive ataxia, Beauce type. Last evaluated: 2025-12-08. Review status: criteria provided, single submitter. Criteria: Invitae Variant Classification Sherloc (09022015). Collection method: clinical testing. Allele origin: germline.

Revvity Omics, Revvity
Classification: Uncertain significance. Last evaluated: 2023-02-03. Review status: criteria provided, single submitter. Criteria: ACMG Guidelines, 2015. Collection method: clinical testing. Allele origin: germline.

CeGaT Center for Human Genetics Tuebingen
Classification: Likely benign. Last evaluated: 2022-11-01. Review status: criteria provided, single submitter. Criteria: CeGaT Center For Human Genetics Tuebingen Variant Classification Criteria Version 2. Collection method: clinical testing. Allele origin: germline. Affected: yes. Observed: 2 variant alleles.
Comment: SYNE1: BP4, BP7

Fulgent Genetics
Classification: Likely benign for Autosomal recessive ataxia, Beauce type; Emery-Dreifuss muscular dystrophy 4, autosomal dominant; Arthrogryposis multiplex congenita 3, myogenic type. Last evaluated: 2022-01-10. Review status: criteria provided, single submitter. Criteria: ACMG Guidelines, 2015. Collection method: clinical testing. Allele origin: unknown.